The following is an entry in ClinVar:

ClinVar aggregate classification (germline): Uncertain significance (1 of 4 stars; one submission).

Conditions:
Hereditary cancer-predisposing syndrome. Also called: Neoplastic Syndromes, Hereditary; Tumor predisposition; Hereditary Cancer Syndrome; Hereditary neoplastic syndrome. Identifiers: Orphanet 140162, MedGen C0027672, MeSH D009386, MONDO:0015356.

Submission:

Ambry Genetics
Classification: Uncertain significance for Hereditary cancer-predisposing syndrome. Last evaluated: 2026-05-31. Review status: criteria provided, single submitter. Criteria: Ambry Variant Classification Scheme 2023. Collection method: clinical testing. Allele origin: germline.
Comment: The p.V693D variant (also known as c.2078T>A), located in coding exon 12 of the DICER1 gene, results from a T to A substitution at nucleotide position 2078. The valine at codon 693 is replaced by aspartic acid, an amino acid with highly dissimilar properties. This amino acid position is conserved. In addition, the in silico prediction for this alteration is inconclusive. Based on the available evidence, the clinical significance of this variant remains unclear.

NM_177438.3(DICER1):c.2078T>A (p.Val693Asp)

Gene: DICER1 (dicer 1, ribonuclease III; minus strand). Cytogenetic location: 14q32.13.
Variant type: single nucleotide variant.
Coding change: c.2078T>A on transcript NM_177438.3 (MANE Select); coding-DNA position 2078, T replaced by A.
Protein change: p.Val693Asp; replaces valine 693 with aspartic acid.
Molecular consequence: missense variant. On other transcripts: non-coding transcript variant (6).
Genome position (GRCh38, 1-based): chr14:95,112,210, A>T on the plus strand (T>A on the coding strand, the complement: DICER1 is on the minus strand). VCF-style: chr14-95112210-A-T. GRCh37 (hg19) VCF-style: chr14-95578547-A-T.
Other names: c.2078T>A, p.Val693Asp (NM_001195573.1, NM_001271282.3, NM_001291628.2 and 12 more transcripts); c.1673T>A, p.Val558Asp (NM_001395696.1, NM_001395698.1, NM_001395687.1 and 3 more transcripts); c.395T>A, p.Val132Asp (NM_001395697.1); c.1796T>A, p.Val599Asp (NM_001395686.1); c.1511T>A, p.Val504Asp (NM_001395691.1); short protein forms V132D, V504D, V558D, V599D, V693D.
Identifiers: ClinVar variation 4869809 (VCV004869809.1).